The following is an entry in ClinVar:

NM_001007792.1(NTRK1):c.-9A>G

Genes: SH2D2A (SH2 domain containing 2A; minus strand), NTRK1 (neurotrophic receptor tyrosine kinase 1; plus strand). Cytogenetic location: 1q23.1.
Variant type: single nucleotide variant.
Coding change: c.-9A>G on transcript NM_001007792.1; 9 bases upstream of the start codon, A replaced by G.
Molecular consequence: 5 prime UTR variant. On other transcripts: intron variant (5).
Genome position (GRCh38, 1-based): chr1:156,815,821, A>G. VCF-style: chr1-156815821-A-G. GRCh37 (hg19) VCF-style: chr1-156785613-A-G.
Other names: c.69+185T>C (NM_001161442.2); c.123+185T>C (NM_003975.4, NM_001161441.2, NM_001161444.2); c.39+185T>C (NM_001161443.2).
Identifiers: ClinVar variation 3051205 (VCV003051205.2), dbSNP rs200646544, ClinGen allele CA1167402.

ClinVar aggregate classification (germline): Likely benign (0 of 4 stars; one submission).

Conditions:
NTRK1-related disorder. Also called: NTRK1-related condition.

Allele frequency attached by ClinVar (database versions not stated): gnomAD exomes 0.00129; ESP Exome Variant Server 0.00054; ExAC 0.00067; gnomAD 0.00092; TOPMed 0.00137.
gnomAD v4.1: 2,069 of 1,613,848 alleles (0.13%); highest among the groups gnomAD compares: Non-Finnish European, 0.15%; 2 homozygotes.

Submission:

PreventionGenetics, part of Exact Sciences
Classification: Likely benign for NTRK1-related condition. Last evaluated: 2020-05-19. Review status: no assertion criteria provided. Collection method: clinical testing. Allele origin: germline.
Comment: This variant is classified as likely benign based on ACMG/AMP sequence variant interpretation guidelines (Richards et al. 2015 PMID: 25741868, with internal and published modifications).